The following is an entry in ClinVar:

ClinVar aggregate classification (germline): Pathogenic (1 of 4 stars; one submission).

Submission:

Labcorp Genetics (formerly Invitae), Labcorp
Classification: Pathogenic. Last evaluated: 2025-02-10. Review status: criteria provided, single submitter. Criteria: Invitae Variant Classification Sherloc (09022015). Collection method: clinical testing. Allele origin: germline.
Comment: This sequence change creates a premature translational stop signal (p.Ser719Argfs*11) in the RP1 gene. While this is not anticipated to result in nonsense mediated decay, it is expected to disrupt the last 1438 amino acid(s) of the RP1 protein. This variant is not present in population databases (gnomAD no frequency). This premature translational stop signal has been observed in individual(s) with clinical features of autosomal dominant retinitis pigmentosa (internal data). ClinVar contains an entry for this variant (Variation ID: 3009999). This variant disrupts the C-terminus of the RP1 protein. Many variants that disrupt this region have been reported in individuals with either autosomal dominant or autosomal recessive retinitis pigmentosa (PMID: 11527933, 19933189, 29425069, 30027431, 33681214). Therefore, variants that disrupt this region are expected to be disease-causing. For these reasons, this variant has been classified as Pathogenic.

Literature cited by the submitters: PubMed 11527933; PubMed 19933189; PubMed 29425069; PubMed 30027431; PubMed 33681214.

NM_006269.2(RP1):c.2157_2256del (p.Ser719fs)

Gene: RP1 (RP1 axonemal microtubule associated; plus strand). Cytogenetic location: 8q12.1.
Variant type: Deletion.
Coding change: c.2157_2256del on transcript NM_006269.2 (MANE Select); coding-DNA positions 2157 to 2256, 100 bases deleted.
Protein change: p.Ser719fs; shifts the reading frame from serine 719.
Molecular consequence: frameshift variant. On other transcripts: intron variant (1).
Genome position (GRCh38, 1-based): chr8:54,626,039-54,626,138, 100 bases deleted. GRCh37 (hg19): chr8:55,538,599-55,538,698.
Other names: c.787+3751_787+3850del (NM_001375654.1); short protein forms S719fs.
Identifiers: ClinVar variation 3009999 (VCV003009999.3), dbSNP rs2536573440, ClinGen allele CA2740095044.